The following is an entry in ClinVar:

NM_003867.4(FGF17):c.359C>A (p.Pro120His)

Gene: FGF17 (fibroblast growth factor 17; plus strand). Cytogenetic location: 8p21.3.
Variant type: single nucleotide variant.
Coding change: c.359C>A on transcript NM_003867.4 (MANE Select); coding-DNA position 359, C replaced by A.
Protein change: p.Pro120His; replaces proline 120 with histidine.
Molecular consequence: missense variant.
Genome position (GRCh38, 1-based): chr8:22,047,957, C>A. VCF-style: chr8-22047957-C-A. GRCh37 (hg19) VCF-style: chr8-21905468-C-A.
Other names: c.326C>A, p.Pro109His (NM_001304478.1); short protein forms P109H, P120H.
Identifiers: ClinVar variation 2776966 (VCV002776966.3), dbSNP rs367959077, ClinGen allele CA4659911.
Genomic context (GRCh38, chr8:22,047,957, plus strand): 5'-CGACACCCCAGACCAGGGTAGGTGGACAAATGCCCTTCCTGTCCTTGCTTCTCCCGCAGC[C>A]CAGCGGGAAGAGCAAAGACTGCGTGTTCACGGAGATCGTGCTGGAGAACAACTATACGGC-3'
Protein context (NP_003858.1, residues 110-130): MNKRGKLIGK[Pro120His]SGKSKDCVFT

ClinVar aggregate classification (germline): Uncertain significance (1 of 4 stars; one submission).

gnomAD v4.1: 3 of 1,598,246 alleles (0.00019%); highest among the groups gnomAD compares: Admixed American, 0.005%; no homozygotes.

Submission:

Labcorp Genetics (formerly Invitae), Labcorp
Classification: Uncertain significance. Last evaluated: 2023-04-20. Review status: criteria provided, single submitter. Criteria: Invitae Variant Classification Sherloc (09022015). Collection method: clinical testing. Allele origin: germline.
Comment: An algorithm developed to predict the effect of missense changes on protein structure and function (PolyPhen-2) suggests that this variant is likely to be disruptive. This variant has not been reported in the literature in individuals affected with FGF17-related conditions. This variant is present in population databases (rs367959077, gnomAD 0.006%). This sequence change replaces proline, which is neutral and non-polar, with histidine, which is basic and polar, at codon 120 of the FGF17 protein (p.Pro120His). Algorithms developed to predict the effect of sequence changes on RNA splicing suggest that this variant may create or strengthen a splice site. In summary, the available evidence is currently insufficient to determine the role of this variant in disease. Therefore, it has been classified as a Variant of Uncertain Significance.